The following is an entry in ClinVar:

ClinVar aggregate classification (germline): Uncertain significance (1 of 4 stars; one submission).

gnomAD v4.1: 1 of 1,211,523 alleles (0.000083%); highest among the groups gnomAD compares: Non-Finnish European, 0.00011%; no homozygotes.

Submission:

Dasa
Classification: Uncertain significance. Last evaluated: 2024-12-03. Review status: criteria provided, single submitter. Criteria: DASA Assertion Criteria. Collection method: clinical testing. Allele origin: germline.
Comment: NM_003410.4(ZFX):c.461A>G (p.Glu154Gly) is a missense variant that results in the substitution of glutamic acid with glycine. This variant is rare in population databases. Computational prediction algorithms are consistent with a benign effect. The currently available literature and clinical evidence are not sufficient to establish a definitive association between this variant and the reported condition. Therefore, this variant is classified as a variant of uncertain significance.

NM_003410.4(ZFX):c.461A>G (p.Glu154Gly)

Gene: ZFX (zinc finger protein X-linked; plus strand). Cytogenetic location: Xp22.11.
Variant type: single nucleotide variant.
Coding change: c.461A>G on transcript NM_003410.4 (MANE Select); coding-DNA position 461, A replaced by G.
Protein change: p.Glu154Gly; replaces glutamic acid 154 with glycine.
Molecular consequence: missense variant. On other transcripts: intron variant (1).
Genome position (GRCh38, 1-based): chrX:24,179,585, A>G. VCF-style: chrX-24179585-A-G. GRCh37 (hg19) VCF-style: chrX-24197702-A-G.
Other names: c.461A>G, p.Glu154Gly (NM_001178084.2, NM_001178085.1, NM_001178095.2); c.578A>G, p.Glu193Gly (NM_001330327.2); c.-41-27741A>G (NM_001178086.2); short protein forms E154G, E193G.
Identifiers: ClinVar variation 4882237 (VCV004882237.2).